The following is an entry in ClinVar:

NM_007194.4(CHEK2):c.1371G>C (p.Glu457Asp)

Gene: CHEK2 (checkpoint kinase 2; minus strand). Cytogenetic location: 22q12.1.
Variant type: single nucleotide variant.
Coding change: c.1371G>C on transcript NM_007194.4 (MANE Select); coding-DNA position 1371, G replaced by C.
Protein change: p.Glu457Asp; replaces glutamic acid 457 with aspartic acid.
Molecular consequence: missense variant.
Genome position (GRCh38, 1-based): chr22:28,695,131, C>G on the plus strand (G>C on the coding strand, the complement: CHEK2 is on the minus strand). VCF-style: chr22-28695131-C-G. GRCh37 (hg19) VCF-style: chr22-29091119-C-G.
Other names: c.1500G>C, p.Glu500Asp (NM_001005735.3); c.708G>C, p.Glu236Asp (NM_001257387.3); c.1170G>C, p.Glu390Asp (NM_001349956.3); c.1284G>C, p.Glu428Asp (NM_145862.3); short protein forms E428D, E457D, E236D, E390D, E500D.
Identifiers: ClinVar variation 2586661 (VCV002586661.2), dbSNP rs2517794845, ClinGen allele CA411095369.

ClinVar aggregate classification (germline): Uncertain significance (1 of 4 stars; one submission).

Conditions:
Hereditary cancer-predisposing syndrome. Also called: Hereditary neoplastic syndrome; Tumor predisposition; Hereditary Cancer Syndrome; Neoplastic Syndromes, Hereditary. Identifiers: Orphanet 140162, MedGen C0027672, MeSH D009386, MONDO:0015356.

Submission:

Ambry Genetics
Classification: Uncertain significance for Hereditary cancer-predisposing syndrome. Last evaluated: 2023-09-05. Review status: criteria provided, single submitter. Criteria: Ambry Variant Classification Scheme 2023. Collection method: clinical testing. Allele origin: germline.
Comment: The p.E457D variant (also known as c.1371G>C), located in coding exon 11 of the CHEK2 gene, results from a G to C substitution at nucleotide position 1371. The glutamic acid at codon 457 is replaced by aspartic acid, an amino acid with highly similar properties. This amino acid position is not well conserved in available vertebrate species. In addition, this alteration is predicted to be tolerated by in silico analysis. Since supporting evidence is limited at this time, the clinical significance of this alteration remains unclear.